The following is an entry in ClinVar:

NM_000152.5(GAA):c.2319C>A (p.Tyr773Ter)

Gene: GAA (alpha glucosidase; plus strand). Cytogenetic location: 17q25.3.
Variant type: single nucleotide variant.
Coding change: c.2319C>A on transcript NM_000152.5 (MANE Select); coding-DNA position 2319, C replaced by A.
Protein change: p.Tyr773Ter; replaces tyrosine 773 with a stop codon.
Molecular consequence: nonsense.
Genome position (GRCh38, 1-based): chr17:80,117,097, C>A. VCF-style: chr17-80117097-C-A. GRCh37 (hg19) VCF-style: chr17-78090896-C-A.
Other names: c.2319C>A, p.Tyr773Ter (NM_001079803.3, NM_001079804.3, NM_001406741.1 and 1 more transcripts); short protein forms Y773*.
Identifiers: ClinVar variation 1725018 (VCV001725018.2), dbSNP rs377402848, ClinGen allele CA401324932.
Genomic context (GRCh38, chr17:80,117,097, plus strand): 5'-CCCAGTGCTCCAGGCCGGGAAGGCCGAAGTGACTGGCTACTTCCCCTTGGGCACATGGTA[C>A]GACCTGCAGACGGTGAGTCTGGGGACCCTAAGCCCTGGGGAGACGGGAGACCAGAGCAGC-3'

ClinVar aggregate classification (germline): Likely pathogenic (1 of 4 stars; one submission).

Conditions:
Glycogen storage disease, type II (IOPD). Also called: Glucosidase acid-1,4-alpha deficiency; Pompe Disease; GLYCOGENOSIS, GENERALIZED, CARDIAC FORM; GSD II; CARDIOMEGALIA GLYCOGENICA DIFFUSA; Glycogen storage disease type 2. Identifiers: Orphanet 365, MedGen C0017921, MONDO:0009290, OMIM 232300.

Submission:

Myriad Genetics, Inc.
Classification: Likely pathogenic for Glycogen storage disease, type II. Last evaluated: 2022-03-05. Review status: criteria provided, single submitter. Criteria: Myriad Women's Health Autosomal Recessive and X-Linked Classification Criteria (2021). Collection method: clinical testing. Allele origin: unknown.
Comment: NM_000152.3(GAA):c.2319C>A(Y773*) is expected to be pathogenic in the context of Pompe disease. This variant is predicted to lead to an abnormal or absent protein product due to the creation of a premature termination codon in GAA, a gene where loss-of-function variants are known to be pathogenic. Please note: this variant was assessed in the context of healthy population screening.